The following is an entry in ClinVar:

NM_138694.4(PKHD1):c.8628_8630delinsTT (p.Ala2876_Ser2877insTer)

Gene: PKHD1 (PKHD1 ciliary IPT domain containing fibrocystin/polyductin; minus strand). Cytogenetic location: 6p12.3.
Variant type: Indel.
Coding change: c.8628_8630delinsTT on transcript NM_138694.4 (MANE Select); coding-DNA positions 8628 to 8630, CTC replaced by TT.
Protein change: p.Ala2876_Ser2877insTer.
Molecular consequence: frameshift variant.
Genome position (GRCh38, 1-based): chr6:51,772,714-51,772,716, GAG replaced by AA on the plus strand (CTC replaced by TT on the coding strand, the reverse complement: PKHD1 is on the minus strand). VCF-style: chr6-51772714-GAG-AA. GRCh37 (hg19) VCF-style: chr6-51637512-GAG-AA.
Other names: c.8628_8630delinsTT, p.Ala2876_Ser2877insTer (NM_170724.3).
Identifiers: ClinVar variation 4816778 (VCV004816778.1).

ClinVar aggregate classification (germline): Likely pathogenic (1 of 4 stars; one submission).

Conditions:
Autosomal recessive polycystic kidney disease (ARPKD). Also called: AR polycystic kidney disease. Identifiers: Orphanet 731, Orphanet 8378, MedGen C0085548, MeSH D017044, MONDO:0009889.

Submission:

Natera, Inc.
Classification: Likely pathogenic for Autosomal recessive polycystic kidney disease. Last evaluated: 2025-03-10. Review status: criteria provided, single submitter. Criteria: Natera Variant Classification Schema (03/2026). Collection method: clinical testing. Allele origin: germline.
Comment: The c.8628_8630delinsTT variant in PKHD1 is a frameshift variant predicted to shift the reading frame and introduce a stop codon. This variant is expected to result in nonsense mediated decay, truncation, or a dysfunctional protein product. This variant is rare in the general population with a frequency below the threshold expected for the associated phenotype(s). Given the available evidence, this variant is classified as Likely Pathogenic.